The following is an entry in ClinVar:

NM_001017995.3(SH3PXD2B):c.1988T>C (p.Ile663Thr)

Gene: SH3PXD2B (SH3 and PX domains 2B; minus strand). Cytogenetic location: 5q35.1.
Variant type: single nucleotide variant.
Coding change: c.1988T>C on transcript NM_001017995.3 (MANE Select); coding-DNA position 1988, T replaced by C.
Protein change: p.Ile663Thr; replaces isoleucine 663 with threonine.
Molecular consequence: missense variant. On other transcripts: intron variant (1).
Genome position (GRCh38, 1-based): chr5:172,339,117, A>G on the plus strand (T>C on the coding strand, the complement: SH3PXD2B is on the minus strand). VCF-style: chr5-172339117-A-G. GRCh37 (hg19) VCF-style: chr5-171766121-A-G.
Other names: c.1988T>C (NM_001017995.2); c.1188+7019T>C (NM_001308175.2); short protein forms I663T.
Identifiers: ClinVar variation 1415757 (VCV001415757.6), dbSNP rs148816682, ClinGen allele CA3561063.

ClinVar aggregate classification (germline): Uncertain significance. Review status: criteria provided, multiple submitters, no conflicts (2 of 4 stars). 2 submissions from 2 submitters: Uncertain significance (2). Last evaluated 2025-07-14.

Allele frequency attached by ClinVar (database versions not stated): gnomAD 0.00009; TOPMed 0.00008; ExAC 0.00009; gnomAD exomes 0.00010 and 0.00007; ESP Exome Variant Server 0.00008.
gnomAD v4.1: 118 of 1,614,206 alleles (0.0073%); highest among the groups gnomAD compares: Non-Finnish European, 0.0084%; no homozygotes.

Submissions (2):

GeneDx
Classification: Uncertain significance. Last evaluated: 2025-07-14. Review status: criteria provided, single submitter. Criteria: GeneDx Variant Classification Process June 2021. Collection method: clinical testing. Allele origin: germline. Affected: yes.
Comment: Identified in a cohort of patients with isolated congenital heart defects in published literature (PMID: 35885997); In silico analysis supports that this missense variant has a deleterious effect on protein structure/function; This variant is associated with the following publications: (PMID: 35885997)

Labcorp Genetics (formerly Invitae), Labcorp
Classification: Uncertain significance. Last evaluated: 2022-08-23. Review status: criteria provided, single submitter. Criteria: Invitae Variant Classification Sherloc (09022015). Collection method: clinical testing. Allele origin: germline.
Comment: This sequence change replaces isoleucine, which is neutral and non-polar, with threonine, which is neutral and polar, at codon 663 of the SH3PXD2B protein (p.Ile663Thr). This variant is present in population databases (rs148816682, gnomAD 0.04%). This variant has not been reported in the literature in individuals affected with SH3PXD2B-related conditions. ClinVar contains an entry for this variant (Variation ID: 1415757). Algorithms developed to predict the effect of missense changes on protein structure and function are either unavailable or do not agree on the potential impact of this missense change (SIFT: "Deleterious"; PolyPhen-2: "Probably Damaging"; Align-GVGD: "Class C0"). In summary, the available evidence is currently insufficient to determine the role of this variant in disease. Therefore, it has been classified as a Variant of Uncertain Significance.